The following is an entry in ClinVar:

ClinVar aggregate classification (germline): Uncertain significance (0 of 4 stars; one submission).

Conditions:
SEC23IP-related disorder. Also called: SEC23IP-related condition.

Submission:

PreventionGenetics, part of Exact Sciences
Classification: Uncertain significance for SEC23IP-related condition. Last evaluated: 2024-01-10. Review status: no assertion criteria provided. Collection method: clinical testing. Allele origin: germline.
Comment: The SEC23IP c.808C>T variant is predicted to result in premature protein termination (p.Gln270*). To our knowledge, this variant has not been reported in the literature or in a large population database, indicating this variant is rare. Of note, loss of function variants have not commonly been reported in the SEC23IP gene. At this time, the clinical significance of this variant is uncertain due to the absence of conclusive functional and genetic evidence.

NM_007190.4(SEC23IP):c.808C>T (p.Gln270Ter)

Gene: SEC23IP (SEC23 interacting protein; plus strand). Cytogenetic location: 10q26.12.
Variant type: single nucleotide variant.
Coding change: c.808C>T on transcript NM_007190.4 (MANE Select); coding-DNA position 808, C replaced by T.
Protein change: p.Gln270Ter; replaces glutamine 270 with a stop codon.
Molecular consequence: nonsense. On other transcripts: non-coding transcript variant (1).
Genome position (GRCh38, 1-based): chr10:119,902,910, C>T. VCF-style: chr10-119902910-C-T. GRCh37 (hg19) VCF-style: chr10-121662422-C-T.
Other names: c.808C>T, p.Gln270Ter (NM_001411070.1); short protein forms Q270*.
Identifiers: ClinVar variation 3046351 (VCV003046351.2), dbSNP rs2493623491, ClinGen allele CA378322666.